The following is an entry in ClinVar:

ClinVar aggregate classification (germline): Benign/Likely benign. Review status: criteria provided, multiple submitters, no conflicts (2 of 4 stars). 6 submissions from 6 submitters: Benign (2); Likely benign (4). Last evaluated 2026-01-26.

Conditions:
Exostoses, multiple, type 1 (EXT1). Also called: Hereditary Multiple Osteochondromatosis, Type I; EXOSTOSES, MULTIPLE, TYPE I. Identifiers: MedGen CN263289, MONDO:0007585, OMIM 133700.
Multiple congenital exostosis (EXT). Also called: Multiple osteochondromas; Multiple exostoses; MULTIPLE CARTILAGINOUS EXOSTOSES; Hereditary multiple exostoses; Hereditary multiple exostosis; Hereditary multiple osteochondromas. Identifiers: Orphanet 321, MedGen C0015306, MONDO:0005508, HP:0002762.

Allele frequency attached by ClinVar (database versions not stated): 1000 Genomes Project 0.00020; 1000 Genomes Project 30x 0.00031; TOPMed 0.00035; gnomAD exomes 0.00050 and 0.00079; gnomAD 0.00057 and 0.00058; ESP Exome Variant Server 0.00077; ExAC 0.00085.
gnomAD v4.1: 809 of 1,614,182 alleles (0.05%); highest among the groups gnomAD compares: Non-Finnish European, 0.049%; 1 homozygote.

Submissions (6):

Labcorp Genetics (formerly Invitae), Labcorp
Classification: Benign for Multiple congenital exostosis. Last evaluated: 2026-01-26. Review status: criteria provided, single submitter. Criteria: Invitae Variant Classification Sherloc (09022015). Collection method: clinical testing. Allele origin: germline.

CeGaT Center for Human Genetics Tuebingen
Classification: Likely benign. Last evaluated: 2025-05-01. Review status: criteria provided, single submitter. Criteria: CeGaT Center For Human Genetics Tuebingen Variant Classification Criteria Version 2. Collection method: clinical testing. Allele origin: germline. Affected: yes. Observed: 2 variant alleles.
Comment: EXT1: BP4, BP7

Blueprint Genetics
Classification: Likely benign. Last evaluated: 2024-10-11. Review status: criteria provided, single submitter. Criteria: ACMG Guidelines, 2015. Collection method: clinical testing. Allele origin: germline.

KCCC/NGS Laboratory, Kuwait Cancer Control Center
Classification: Likely benign for Exostoses, multiple, type 1. Last evaluated: 2023-07-07. Review status: criteria provided, single submitter. Criteria: ACMG Guidelines, 2015. Collection method: clinical testing. Allele origin: germline. Affected: yes.

Illumina Laboratory Services, Illumina
Classification: Benign for Exostoses, multiple, type 1. Last evaluated: 2018-01-13. Review status: criteria provided, single submitter. Criteria: ICSL Variant Classification Criteria 13 December 2019. Collection method: clinical testing. Allele origin: germline.
Comment: This variant was observed in the ICSL laboratory as part of a predisposition screen in an ostensibly healthy population. It had not been previously curated by ICSL or reported in the Human Gene Mutation Database (HGMD: prior to June 1st, 2018), and was therefore a candidate for classification through an automated scoring system. Utilizing variant allele frequency, disease prevalence and penetrance estimates, and inheritance mode, an automated score was calculated to assess if this variant is too frequent to cause the disease. Based on the score and internal cut-off values, a variant classified as benign is not then subjected to further curation. The score for this variant resulted in a classification of benign for this disease.

GeneDx
Classification: Likely benign. Last evaluated: 2017-03-27. Review status: criteria provided, single submitter. Criteria: GeneDx Variant Classification (06012015). Collection method: clinical testing. Allele origin: germline. Affected: yes.
Comment: This variant is considered likely benign or benign based on one or more of the following criteria: it is a conservative change, it occurs at a poorly conserved position in the protein, it is predicted to be benign by multiple in silico algorithms, and/or has population frequency not consistent with disease.

NM_000127.3(EXT1):c.1782G>A (p.Ala594=)

Gene: EXT1 (exostosin glycosyltransferase 1; minus strand). Cytogenetic location: 8q24.11.
Variant type: single nucleotide variant.
Coding change: c.1782G>A on transcript NM_000127.3 (MANE Select); coding-DNA position 1782, G replaced by A.
Protein change: p.Ala594=; no amino-acid change (alanine 594 retained).
Molecular consequence: synonymous variant.
Genome position (GRCh38, 1-based): chr8:117,807,318, C>T on the plus strand (G>A on the coding strand, the complement: EXT1 is on the minus strand). VCF-style: chr8-117807318-C-T. GRCh37 (hg19) VCF-style: chr8-118819557-C-T.
Identifiers: ClinVar variation 361654 (VCV000361654.58), dbSNP rs61753261, ClinGen allele CA4854012.